The following is an entry in ClinVar:

NM_199242.3(UNC13D):c.1544+6C>G

Gene: UNC13D (unc-13 homolog D; minus strand). Cytogenetic location: 17q25.1.
Variant type: single nucleotide variant.
Coding change: c.1544+6C>G on transcript NM_199242.3 (MANE Select); 6 bases into the intron after coding-DNA position 1544, C replaced by G.
Molecular consequence: intron variant.
Genome position (GRCh38, 1-based): chr17:75,836,006, G>C on the plus strand (C>G on the coding strand, the complement: UNC13D is on the minus strand). VCF-style: chr17-75836006-G-C. GRCh37 (hg19) VCF-style: chr17-73832087-G-C.
Identifiers: ClinVar variation 657504 (VCV000657504.8), dbSNP rs773025071, ClinGen allele CA8772945.

ClinVar aggregate classification (germline): Uncertain significance (1 of 4 stars; one submission).

Conditions:
Familial hemophagocytic lymphohistiocytosis 3 (FHL3). Also called: UNC13D-Related Familial Hemophagocytic Lymphohistiocytosis (UNC13D-fHLH). Identifiers: Orphanet 540, MedGen C1837174, MONDO:0012146, OMIM 608898.

Allele frequency attached by ClinVar (database versions not stated): gnomAD 0.00002; TOPMed 0.00004.
gnomAD v4.1: 72 of 1,614,002 alleles (0.0045%); highest among the groups gnomAD compares: Non-Finnish European, 0.0057%; no homozygotes.

Submission:

Labcorp Genetics (formerly Invitae), Labcorp
Classification: Uncertain significance for Familial hemophagocytic lymphohistiocytosis 3. Last evaluated: 2022-06-13. Review status: criteria provided, single submitter. Criteria: Invitae Variant Classification Sherloc (09022015). Collection method: clinical testing. Allele origin: germline.
Comment: This sequence change falls in intron 17 of the UNC13D gene. It does not directly change the encoded amino acid sequence of the UNC13D protein. It affects a nucleotide within the consensus splice site. This variant is present in population databases (rs773025071, gnomAD 0.006%). This variant has not been reported in the literature in individuals affected with UNC13D-related conditions. ClinVar contains an entry for this variant (Variation ID: 657504). Variants that disrupt the consensus splice site are a relatively common cause of aberrant splicing (PMID: 17576681, 9536098). Algorithms developed to predict the effect of sequence changes on RNA splicing suggest that this variant is not likely to affect RNA splicing. In summary, the available evidence is currently insufficient to determine the role of this variant in disease. Therefore, it has been classified as a Variant of Uncertain Significance.

Literature cited by the submitters: PubMed 17576681; PubMed 9536098.